The following is an entry in ClinVar:

NM_000222.3(KIT):c.1914G>A (p.Met638Ile)

Gene: KIT (KIT proto-oncogene, receptor tyrosine kinase; plus strand). Cytogenetic location: 4q12.
Variant type: single nucleotide variant.
Coding change: c.1914G>A on transcript NM_000222.3 (MANE Select); coding-DNA position 1914, G replaced by A.
Protein change: p.Met638Ile; replaces methionine 638 with isoleucine.
Molecular consequence: missense variant.
Genome position (GRCh38, 1-based): chr4:54,728,045, G>A. VCF-style: chr4-54728045-G-A. GRCh37 (hg19) VCF-style: chr4-55594211-G-A.
Other names: c.1902G>A, p.Met634Ile (NM_001093772.2, NM_001385286.1); c.1917G>A, p.Met639Ile (NM_001385284.1, NM_001385290.1); c.1914G>A, p.Met638Ile (NM_001385285.1); c.1905G>A, p.Met635Ile (NM_001385288.1, NM_001385292.1); short protein forms M635I, M634I, M639I, M638I.
Identifiers: ClinVar variation 1037658 (VCV001037658.9), dbSNP rs1722352667, ClinGen allele CA356908534.

ClinVar aggregate classification (germline): Uncertain significance (1 of 4 stars; one submission).

Conditions:
Gastrointestinal stromal tumor. Also called: Gastrointestinal stromal tumor, somatic; Gastrointestinal stroma tumor. Identifiers: Orphanet 44890, MedGen C0238198, MeSH D046152, MONDO:0011719, OMIM 606764, HP:0100723.

Allele frequency attached by ClinVar (database versions not stated): gnomAD exomes below 0.00001.
gnomAD v4.1: 4 of 1,614,058 alleles (0.00025%); highest among the groups gnomAD compares: Non-Finnish European, 0.00034%; no homozygotes.

Submission:

Labcorp Genetics (formerly Invitae), Labcorp
Classification: Uncertain significance for Gastrointestinal stromal tumor. Last evaluated: 2024-07-03. Review status: criteria provided, single submitter. Criteria: Invitae Variant Classification Sherloc (09022015). Collection method: clinical testing. Allele origin: germline.
Comment: This sequence change replaces methionine, which is neutral and non-polar, with isoleucine, which is neutral and non-polar, at codon 638 of the KIT protein (p.Met638Ile). This variant is not present in population databases (gnomAD no frequency). This variant has not been reported in the literature in individuals affected with KIT-related conditions. ClinVar contains an entry for this variant (Variation ID: 1037658). An algorithm developed to predict the effect of missense changes on protein structure and function (PolyPhen-2) suggests that this variant is likely to be disruptive. In summary, the available evidence is currently insufficient to determine the role of this variant in disease. Therefore, it has been classified as a Variant of Uncertain Significance.